The following is an entry in ClinVar:

NM_020779.4(WDR35):c.1082G>T (p.Trp361Leu)

Gene: WDR35 (WD repeat domain 35; minus strand). Cytogenetic location: 2p24.1.
Variant type: single nucleotide variant.
Coding change: c.1082G>T on transcript NM_020779.4 (MANE Select); coding-DNA position 1082, G replaced by T.
Protein change: p.Trp361Leu; replaces tryptophan 361 with leucine.
Molecular consequence: missense variant.
Genome position (GRCh38, 1-based): chr2:19,966,836, C>A on the plus strand (G>T on the coding strand, the complement: WDR35 is on the minus strand). VCF-style: chr2-19966836-C-A. GRCh37 (hg19) VCF-style: chr2-20166597-C-A.
Other names: c.1082G>T, p.Trp361Leu (NM_001006657.2); short protein forms W361L.
Identifiers: ClinVar variation 1522180 (VCV001522180.8), dbSNP rs2103444974, ClinGen allele CA345946254.

ClinVar aggregate classification (germline): Uncertain significance (1 of 4 stars; one submission).

Conditions:
Cranioectodermal dysplasia 2 (CED2). Identifiers: Orphanet 1515, MedGen C3150874, MONDO:0013323, OMIM 613610.
Short-rib thoracic dysplasia 7 with or without polydactyly (SRTD7). Also called: Short rib polydactyly syndrome 5; SHORT-RIB THORACIC DYSPLASIA 7 WITH POLYDACTYLY. Identifiers: Orphanet 498497, Orphanet 93271, MedGen C3279792, MONDO:0013569, OMIM 614091.

Submission:

Labcorp Genetics (formerly Invitae), Labcorp
Classification: Uncertain significance for Cranioectodermal dysplasia 2; Short-rib thoracic dysplasia 7 with or without polydactyly. Last evaluated: 2021-04-02. Review status: criteria provided, single submitter. Criteria: Invitae Variant Classification Sherloc (09022015). Collection method: clinical testing. Allele origin: germline.
Comment: This variant is not present in population databases (ExAC no frequency). In summary, the available evidence is currently insufficient to determine the role of this variant in disease. Therefore, it has been classified as a Variant of Uncertain Significance. Algorithms developed to predict the effect of missense changes on protein structure and function are either unavailable or do not agree on the potential impact of this missense change (SIFT: "Deleterious"; PolyPhen-2: "Probably Damaging"; Align-GVGD: "Class C0"). This variant has not been reported in the literature in individuals with WDR35-related conditions. This sequence change replaces tryptophan with leucine at codon 361 of the WDR35 protein (p.Trp361Leu). The tryptophan residue is highly conserved and there is a small physicochemical difference between tryptophan and leucine.